The following is an entry in ClinVar:

ClinVar aggregate classification (germline): Pathogenic/Likely pathogenic. Review status: criteria provided, multiple submitters, no conflicts (2 of 4 stars). 2 submissions from 2 submitters: Pathogenic (1); Likely pathogenic (1). Last evaluated 2023-07-16.

Conditions:
Niemann-Pick disease, type C1. Also called: NIEMANN-PICK DISEASE, VARIANT TYPE C1; NIEMANN-PICK DISEASE WITHOUT SPHINGOMYELINASE DEFICIENCY; NIEMANN-PICK DISEASE, CHRONIC NEURONOPATHIC FORM; NEUROVISCERAL STORAGE DISEASE WITH VERTICAL SUPRANUCLEAR OPHTHALMOPLEGIA; NIEMANN-PICK DISEASE WITH CHOLESTEROL ESTERIFICATION BLOCK. Identifiers: Orphanet 646, MedGen C3179455, MONDO:0009757, OMIM 257220.

Submissions (2):

Labcorp Genetics (formerly Invitae), Labcorp
Classification: Pathogenic for Niemann-Pick disease, type C1. Last evaluated: 2023-07-16. Review status: criteria provided, single submitter. Criteria: Invitae Variant Classification Sherloc (09022015). Collection method: clinical testing. Allele origin: germline.
Comment: This sequence change falls in intron 23 of the NPC1 gene. It does not directly change the encoded amino acid sequence of the NPC1 protein. It affects a nucleotide within the consensus splice site. For these reasons, this variant has been classified as Pathogenic. Variants that disrupt the consensus splice site are a relatively common cause of aberrant splicing (PMID: 17576681, 9536098). Algorithms developed to predict the effect of sequence changes on RNA splicing suggest that this variant may disrupt the consensus splice site. ClinVar contains an entry for this variant (Variation ID: 1454764). This variant is also known as c.3591+3insT and IVS23 + 3insT. This variant has been observed in individual(s) with Niemann-Pick Type C (PMID: 28105569). In at least one individual the data is consistent with being in trans (on the opposite chromosome) from a pathogenic variant. This variant is not present in population databases (gnomAD no frequency).

3billion
Classification: Likely pathogenic for Niemann-Pick disease, type C1. Last evaluated: 2023-02-23. Review status: criteria provided, single submitter. Criteria: ACMG Guidelines, 2015. Collection method: clinical testing. Allele origin: unknown. Affected: yes.
Comment: The variant is not observed in the gnomAD v2.1.1 dataset. In silico tools predict the variant to alter splicing and produce an abnormal transcript (SpliceAI: 0.80). The variant has been reported to be in trans with a pathogenic variant as either compound heterozygous or homozygous in at least one similarly affected unrelated individual (PMID: 28105569, 28472934).The variant has been reported to co-segregate with the disease in at least one similarly affected relative/individual in the same family or similarly affected unrelated family (PMID: 28472934). The variant has been reported to be associated with NPC1 related disorder (ClinVar ID: VCV001454764 / PMID: 28472934). Therefore, this variant is classified as Likely pathogenic according to the recommendation of ACMG/AMP guideline.

Literature cited by the submitters: PubMed 17576681 (cited by Labcorp Genetics (formerly Invitae), Labcorp); PubMed 9536098 (cited by Labcorp Genetics (formerly Invitae), Labcorp); PubMed 28105569 (cited by Labcorp Genetics (formerly Invitae), Labcorp and 3billion); PubMed 28472934 (cited by 3billion).

NM_000271.5(NPC1):c.3591+2dup

Gene: NPC1 (NPC intracellular cholesterol transporter 1; minus strand). Cytogenetic location: 18q11.2.
Variant type: Duplication.
Coding change: c.3591+2dup on transcript NM_000271.5 (MANE Select); the canonical splice donor site of the intron after coding-DNA position 3591, one base duplicated (T; older notation c.3591+2dupT).
Molecular consequence: splice donor variant.
Genome position (GRCh38, 1-based): chr18:23,534,444, A duplicated on the plus strand (T on the coding strand, the reverse complement: NPC1 is on the minus strand). VCF-style (leftmost placement, unchanged base first): chr18-23534443-C-CA. GRCh37 (hg19) VCF-style: chr18-21114407-C-CA.
Identifiers: ClinVar variation 1454764 (VCV001454764.6), dbSNP rs2145342749, ClinGen allele CA2573155186.